The following is an entry in ClinVar:

ClinVar aggregate classification (germline): Likely pathogenic (1 of 4 stars; one submission).

Conditions:
Supravalvar aortic stenosis (SVAS). Also called: Supravalvar aortic stenosis, Eisenberg type. Identifiers: Orphanet 3193, MedGen C0003499, MONDO:0008504, OMIM 185500, HP:0004381.

Submission:

Laboratory for Molecular Medicine, Mass General Brigham Personalized Medicine
Classification: Likely pathogenic for Supravalvular aortic stenosis. Last evaluated: 2011-09-28. Review status: criteria provided, single submitter. Criteria: LMM Criteria. Collection method: clinical testing. Allele origin: germline. Inheritance: Autosomal dominant inheritance. Observed: 1 variant allele.
Comment: The Ala385fs variant has not been reported in the literature nor previously iden tified by our laboratory. However, this variant is predicted to cause a frameshi ft, which alters the protein's amino acid sequence beginning at codon 385 and le ads to a premature stop codon 89 amino acids downstream. This alteration is pred icted to lead to a truncated or absent protein and therefore, to a heterozygous loss of function of the elastin (ELN) gene. Loss of function variants in ELN are an established mechanism of disease in SVAS (Human Gene Mutation Database, HGMD ), which is consistent with this individual?s clinical features. In summary, the Ala385fs variant is likely to be pathogenic.

NC_000007.14:g.74056273del

Gene: ELN (elastin; plus strand). Cytogenetic location: 7q11.23.
Variant type: Deletion.
Genome position: GRCh38 VCF-style: chr7-74056269-AG-A. GRCh37 (hg19) VCF-style: chr7-73470599-AG-A.
Identifiers: ClinVar variation 163392 (VCV000163392.6), dbSNP rs727503031, ClinGen allele CA281475.
Genomic context (GRCh38, chr7:74,056,269, plus strand): 5'-TCAGAGCCCGCCCAGCCTCTCTCACTGAGCTTCTTTTCTACTTGGCTCCCTTCCCTCTGC[AG>A]GGGCCAGGCCCGGAGTCGGAGTTGGAGGCATTCCTACTTACGGGGTTGGAGCTGGGGGCT-3'